The following is an entry in ClinVar:

NM_001466.4(FZD2):c.1306G>T (p.Val436Leu)

Gene: FZD2 (frizzled class receptor 2; plus strand). Cytogenetic location: 17q21.31.
Variant type: single nucleotide variant.
Coding change: c.1306G>T on transcript NM_001466.4 (MANE Select); coding-DNA position 1306, G replaced by T.
Protein change: p.Val436Leu; replaces valine 436 with leucine.
Molecular consequence: missense variant.
Genome position (GRCh38, 1-based): chr17:44,558,994, G>T. VCF-style: chr17-44558994-G-T. GRCh37 (hg19) VCF-style: chr17-42636362-G-T.
Other names: short protein forms V436L.
Identifiers: ClinVar variation 5037311 (VCV005037311.1).
Genomic context (GRCh38, chr17:44,558,994, plus strand): 5'-GTGCTAGCGCCGCTCTTCGTGTACCTGTTCATCGGCACGTCCTTCCTCCTGGCCGGCTTC[G>T]TGTCGCTCTTCCGCATCCGCACCATCATGAAGCACGACGGCACCAAGACCGAAAAGCTGG-3'
Protein context (NP_001457.1, residues 426-446): IGTSFLLAGF[Val436Leu]SLFRIRTIMK

ClinVar aggregate classification (germline): Uncertain significance (1 of 4 stars; one submission).

Submission:

GeneDx
Classification: Uncertain significance. Last evaluated: 2026-04-19. Review status: criteria provided, single submitter. Criteria: GeneDx Variant Classification Process June 2021. Collection method: clinical testing. Allele origin: germline.
Comment: Not observed at significant frequency in large population cohorts (gnomAD); In silico analysis supports that this missense variant has a deleterious effect on protein structure/function; Has not been previously published as pathogenic or benign to our knowledge